The following is an entry in ClinVar:

ClinVar aggregate classification (germline): Likely pathogenic (1 of 4 stars; one submission).

Allele frequency attached by ClinVar (database versions not stated): ExAC 0.00001.

Submission:

Labcorp Genetics (formerly Invitae), Labcorp
Classification: Likely pathogenic. Last evaluated: 2022-02-28. Review status: criteria provided, single submitter. Criteria: Invitae Variant Classification Sherloc (09022015). Collection method: clinical testing. Allele origin: germline.
Comment: In summary, the currently available evidence indicates that the variant is pathogenic, but additional data are needed to prove that conclusively. Therefore, this variant has been classified as Likely Pathogenic. Disruption of this splice site has been observed in individual(s) with CDHR1-related conditions (Invitae). This sequence change affects an acceptor splice site in intron 10 of the CDHR1 gene. It is expected to disrupt RNA splicing. Variants that disrupt the donor or acceptor splice site typically lead to a loss of protein function (PMID: 16199547), and loss-of-function variants in CDHR1 are known to be pathogenic (PMID: 23044944, 23591405, 26103963, 26261414). This variant is present in population databases (rs773704365, gnomAD 0.006%). Algorithms developed to predict the effect of sequence changes on RNA splicing suggest that this variant may disrupt the consensus splice site.

Literature cited by the submitters: PubMed 16199547; PubMed 23044944; PubMed 23591405; PubMed 26103963; PubMed 26261414.

NM_033100.4(CDHR1):c.964-1G>C

Gene: CDHR1 (cadherin related family member 1; plus strand). Cytogenetic location: 10q23.1.
Variant type: single nucleotide variant.
Coding change: c.964-1G>C on transcript NM_033100.4 (MANE Select); the canonical splice acceptor site of the intron before coding-DNA position 964, G replaced by C.
Molecular consequence: splice acceptor variant.
Genome position (GRCh38, 1-based): chr10:84,208,173, G>C. VCF-style: chr10-84208173-G-C. GRCh37 (hg19) VCF-style: chr10-85967929-G-C.
Other names: c.964-1G>C (NM_001171971.3).
Identifiers: ClinVar variation 1916121 (VCV001916121.5), dbSNP rs773704365, ClinGen allele CA5579804.